The following is an entry in ClinVar:

NM_001195263.2(PDZD7):c.2348_2349insTAGCCGCAGCCGCAGCCGCAGCCG (p.Ser784_Ser785insArgSerArgSerArgSerArgSer)

Gene: PDZD7 (PDZ domain containing 7; minus strand). Cytogenetic location: 10q24.31.
Variant type: Microsatellite.
Coding change: c.2348_2349insTAGCCGCAGCCGCAGCCGCAGCCG on transcript NM_001195263.2 (MANE Select); coding-DNA positions 2348 to 2349, TAGCCGCAGCCGCAGCCGCAGCCG inserted.
Protein change: p.Ser784_Ser785insArgSerArgSerArgSerArgSer.
Molecular consequence: inframe insertion.
Genome position: GRCh38 VCF-style: chr10-101010540-G-GCGGCTGCGGCTGCGGCTGCGGCTA. GRCh37 (hg19) VCF-style: chr10-102770297-G-GCGGCTGCGGCTGCGGCTGCGGCTA.
Identifiers: ClinVar variation 1912279 (VCV001912279.3), dbSNP rs1554833265.

ClinVar aggregate classification (germline): Uncertain significance (1 of 4 stars; one submission).

Submission:

Labcorp Genetics (formerly Invitae), Labcorp
Classification: Uncertain significance. Last evaluated: 2022-05-29. Review status: criteria provided, single submitter. Criteria: Invitae Variant Classification Sherloc (09022015). Collection method: clinical testing. Allele origin: germline.
Comment: In summary, the available evidence is currently insufficient to determine the role of this variant in disease. Therefore, it has been classified as a Variant of Uncertain Significance. This variant has not been reported in the literature in individuals affected with PDZD7-related conditions. The frequency data for this variant in the population databases is considered unreliable, as metrics indicate poor data quality at this position in the gnomAD database. This variant, c.2348_2349insTAGCCGCAGCCGCAGCCGCAGCCG, results in the insertion of 8 amino acid(s) of the PDZD7 protein (p.Arg777_Ser784dup), but otherwise preserves the integrity of the reading frame.